The following is an entry in ClinVar:

ClinVar aggregate classification (germline): Uncertain significance (1 of 4 stars; one submission).

Conditions:
Hyperphosphatasia with intellectual disability syndrome 5 (GPIBD11). Also called: GLYCOSYLPHOSPHATIDYLINOSITOL BIOSYNTHESIS DEFECT 11. Identifiers: Orphanet 247262, MedGen C4014958, MONDO:0014457, OMIM 616025.

Allele frequency attached by ClinVar (database versions not stated): gnomAD 0.00002; gnomAD exomes 0.00002; TOPMed 0.00003.
gnomAD v4.1: 12 of 1,613,918 alleles (0.00074%); highest among the groups gnomAD compares: Middle Eastern, 0.016%; no homozygotes.

Submission:

Labcorp Genetics (formerly Invitae), Labcorp
Classification: Uncertain significance for Hyperphosphatasia with intellectual disability syndrome 5. Last evaluated: 2024-10-07. Review status: criteria provided, single submitter. Criteria: Invitae Variant Classification Sherloc (09022015). Collection method: clinical testing. Allele origin: germline.
Comment: This sequence change replaces arginine, which is basic and polar, with histidine, which is basic and polar, at codon 133 of the PIGW protein (p.Arg133His). This variant is present in population databases (no rsID available, gnomAD 0.006%). This variant has not been reported in the literature in individuals affected with PIGW-related conditions. ClinVar contains an entry for this variant (Variation ID: 1436038). Invitae Evidence Modeling of protein sequence and biophysical properties (such as structural, functional, and spatial information, amino acid conservation, physicochemical variation, residue mobility, and thermodynamic stability) indicates that this missense variant is expected to disrupt PIGW protein function with a positive predictive value of 80%. In summary, the available evidence is currently insufficient to determine the role of this variant in disease. Therefore, it has been classified as a Variant of Uncertain Significance.

NM_001346754.2(PIGW):c.398G>A (p.Arg133His)

Genes: MYO19 (myosin XIX; minus strand), PIGW (phosphatidylinositol glycan anchor biosynthesis class W; plus strand). Cytogenetic location: 17q12.
Variant type: single nucleotide variant.
Coding change: c.398G>A on transcript NM_001346754.2 (MANE Select); coding-DNA position 398, G replaced by A.
Protein change: p.Arg133His; replaces arginine 133 with histidine.
Molecular consequence: missense variant.
Genome position (GRCh38, 1-based): chr17:36,537,499, G>A. VCF-style: chr17-36537499-G-A. GRCh37 (hg19) VCF-style: chr17-34893348-G-A.
Other names: c.398G>A, p.Arg133His (NM_001346755.2, NM_178517.5); short protein forms R133H.
Identifiers: ClinVar variation 1436038 (VCV001436038.6), dbSNP rs997305566, ClinGen allele CA290115888.
Genomic context (GRCh38, chr17:36,537,499, plus strand): 5'-TTGAAAAATTCTTGAACATCAGTCTAGAATCAGAATACAATCCAGCCATCTCCTGTTTCC[G>A]TGTAATTACCAGTGCGTTTACTGCTATTGCTATTTTGGCTGTGGACTTCCCACTTTTTCC-3'
Protein context (NP_001333683.1, residues 123-143): SEYNPAISCF[Arg133His]VITSAFTAIA